The following is an entry in ClinVar:

ClinVar aggregate classification (germline): Pathogenic/Likely pathogenic. Review status: criteria provided, multiple submitters, no conflicts (2 of 4 stars). 2 submissions from 2 submitters: Pathogenic (1); Likely pathogenic (1). Last evaluated 2023-09-14.

Conditions:
Pituitary adenoma 5, multiple types. Identifiers: MedGen C4539685, MONDO:0054601, OMIM 617540.

Submissions (2):

Baylor Genetics
Classification: Likely pathogenic for Pituitary adenoma 5, multiple types. Last evaluated: 2023-09-14. Review status: criteria provided, single submitter. Criteria: ACMG Guidelines, 2015. Collection method: clinical testing. Allele origin: unknown.

Labcorp Genetics (formerly Invitae), Labcorp
Classification: Pathogenic. Last evaluated: 2019-11-15. Review status: criteria provided, single submitter. Criteria: Invitae Variant Classification Sherloc (09022015). Collection method: clinical testing. Allele origin: germline.
Comment: For these reasons, this variant has been classified as Pathogenic. Loss-of-function variants in CDH23 are known to be pathogenic (PMID: 11138009, 21940737). This variant has not been reported in the literature in individuals with CDH23-related conditions. This variant is not present in population databases (ExAC no frequency). This sequence change creates a premature translational stop signal (p.Thr188Asnfs*78) in the CDH23 gene. It is expected to result in an absent or disrupted protein product.

Literature cited by the submitters: PubMed 11138009 (cited by Labcorp Genetics (formerly Invitae), Labcorp); PubMed 21940737 (cited by Labcorp Genetics (formerly Invitae), Labcorp).

NM_022124.6(CDH23):c.562dup (p.Thr188fs)

Gene: CDH23 (cadherin related 23; plus strand). Cytogenetic location: 10q22.1.
Variant type: Duplication.
Coding change: c.562dup on transcript NM_022124.6 (MANE Select); coding-DNA position 562, one base duplicated (A; older notation c.562dupA).
Protein change: p.Thr188fs; shifts the reading frame from threonine 188.
Molecular consequence: frameshift variant.
Genome position (GRCh38, 1-based): chr10:71,566,874, A duplicated. VCF-style (leftmost placement, unchanged base first): chr10-71566873-C-CA. GRCh37 (hg19) VCF-style: chr10-73326630-C-CA.
Other names: c.562dup, p.Thr188fs (NM_001171930.2, NM_001171931.2, NM_001171932.2 and 1 more transcripts); short protein forms T188fs.
Identifiers: ClinVar variation 966012 (VCV000966012.8), dbSNP rs1857435780, ClinGen allele CA1139661508.
Genomic context (GRCh38, chr10:71,566,873, plus strand): 5'-CCTCTACTCCTTCCAGCCCCCCTCCCAATTCTTCGCCATTGACAGCGCCCGCGGTATCGT[C>CA]ACAGTGATCCGGGAGCTGGACTACGAGACCACACAGGCCTACCAGCTCACGGTCAACGCC-3'